The following is an entry in ClinVar:

NM_006206.6(PDGFRA):c.2784C>G (p.Ile928Met)

Gene: PDGFRA (platelet derived growth factor receptor alpha; plus strand). Cytogenetic location: 4q12.
Variant type: single nucleotide variant.
Coding change: c.2784C>G on transcript NM_006206.6 (MANE Select); coding-DNA position 2784, C replaced by G.
Protein change: p.Ile928Met; replaces isoleucine 928 with methionine.
Molecular consequence: missense variant.
Genome position (GRCh38, 1-based): chr4:54,289,018, C>G. VCF-style: chr4-54289018-C-G. GRCh37 (hg19) VCF-style: chr4-55155185-C-G.
Other names: c.2859C>G, p.Ile953Met (NM_001347828.2); c.2784C>G, p.Ile928Met (NM_001347829.2); c.2823C>G, p.Ile941Met (NM_001347830.2); short protein forms I928M, I941M, I953M.
Identifiers: ClinVar variation 459069 (VCV000459069.13), dbSNP rs764838149, ClinGen allele CA2922960.

ClinVar aggregate classification (germline): Uncertain significance. Review status: criteria provided, multiple submitters, no conflicts (2 of 4 stars). 2 submissions from 2 submitters: Uncertain significance (2). Last evaluated 2024-06-23.

Conditions:
Hereditary cancer-predisposing syndrome. Also called: Tumor predisposition; Hereditary neoplastic syndrome; Neoplastic Syndromes, Hereditary; Hereditary Cancer Syndrome. Identifiers: Orphanet 140162, MedGen C0027672, MeSH D009386, MONDO:0015356.
Gastrointestinal stromal tumor. Also called: Gastrointestinal stroma tumor; Gastrointestinal stromal tumor, somatic. Identifiers: Orphanet 44890, MedGen C0238198, MeSH D046152, MONDO:0011719, OMIM 606764, HP:0100723.

Allele frequency attached by ClinVar (database versions not stated): gnomAD exomes below 0.00001; ExAC 0.00001.

Submissions (2):

Ambry Genetics
Classification: Uncertain significance for Hereditary cancer-predisposing syndrome. Last evaluated: 2024-06-23. Review status: criteria provided, single submitter. Criteria: Ambry Variant Classification Scheme 2023. Collection method: clinical testing. Allele origin: germline.
Comment: The p.I928M variant (also known as c.2784C>G), located in coding exon 20 of the PDGFRA gene, results from a C to G substitution at nucleotide position 2784. The isoleucine at codon 928 is replaced by methionine, an amino acid with highly similar properties. This amino acid position is conserved. In addition, the in silico prediction for this alteration is inconclusive. Since supporting evidence is limited at this time, the clinical significance of this alteration remains unclear.

Labcorp Genetics (formerly Invitae), Labcorp
Classification: Uncertain significance for Gastrointestinal stromal tumor. Last evaluated: 2018-12-18. Review status: criteria provided, single submitter. Criteria: Invitae Variant Classification Sherloc (09022015). Collection method: clinical testing. Allele origin: germline.
Comment: This variant has not been reported in the literature in individuals with PDGFRA-related disease. In summary, the available evidence is currently insufficient to determine the role of this variant in disease. Therefore, it has been classified as a Variant of Uncertain Significance. Algorithms developed to predict the effect of missense changes on protein structure and function (SIFT, PolyPhen-2, Align-GVGD) all suggest that this variant is likely to be tolerated, but these predictions have not been confirmed by published functional studies and their clinical significance is uncertain. This variant is present in population databases (rs764838149, ExAC 0.001%). This sequence change replaces isoleucine with methionine at codon 928 of the PDGFRA protein (p.Ile928Met). The isoleucine residue is moderately conserved and there is a small physicochemical difference between isoleucine and methionine.